The following is an entry in ClinVar:

NM_000081.4(LYST):c.3085C>T (p.Gln1029Ter)

Gene: LYST (lysosomal trafficking regulator; minus strand). Cytogenetic location: 1q42.3.
Variant type: single nucleotide variant.
Coding change: c.3085C>T on transcript NM_000081.4 (MANE Select); coding-DNA position 3085, C replaced by T.
Protein change: p.Gln1029Ter; replaces glutamine 1029 with a stop codon.
Molecular consequence: nonsense.
Genome position (GRCh38, 1-based): chr1:235,806,051, G>A on the plus strand (C>T on the coding strand, the complement: LYST is on the minus strand). VCF-style: chr1-235806051-G-A. GRCh37 (hg19) VCF-style: chr1-235969351-G-A.
Other names: p.Gln1029*; c.3085C>T, p.Gln1029Ter (NM_001301365.1); short protein forms Q1029*.
Identifiers: ClinVar variation 3814 (VCV000003814.21), dbSNP rs80338651, ClinGen allele CA116455.

ClinVar aggregate classification (germline): Pathogenic. Review status: criteria provided, multiple submitters, no conflicts (2 of 4 stars). 7 submissions from 7 submitters: Pathogenic (5). 2 of the submissions do not count toward it. Last evaluated 2025-02-07.

Conditions:
Chédiak-Higashi syndrome (CHS). Also called: Chediak-Higashi Syndrome. Identifiers: Orphanet 167, MedGen C0007965, MONDO:0008963, OMIM 214500.
CHEDIAK-HIGASHI SYNDROME, CHILDHOOD TYPE. Identifiers: MedGen C4016992.

Allele frequency attached by ClinVar (database versions not stated): gnomAD exomes below 0.00001; TOPMed below 0.00001.
gnomAD v4.1: 1 of 1,613,764 alleles (0.000062%); highest among the groups gnomAD compares: Non-Finnish European, 0.000085%; no homozygotes.

Submissions (7):

Mayo Clinic Laboratories, Mayo Clinic
Classification: Pathogenic. Last evaluated: 2025-02-07. Review status: criteria provided, single submitter. Criteria: ACMG Guidelines, 2015. Collection method: clinical testing. Allele origin: germline. Observed: 1 variant allele.
Comment: PM2_supporting, PM3_supporting, PVS1

Labcorp Genetics (formerly Invitae), Labcorp
Classification: Pathogenic for Chédiak-Higashi syndrome. Last evaluated: 2024-10-17. Review status: criteria provided, single submitter. Criteria: Invitae Variant Classification Sherloc (09022015). Collection method: clinical testing. Allele origin: germline.
Comment: This sequence change creates a premature translational stop signal (p.Gln1029*) in the LYST gene. It is expected to result in an absent or disrupted protein product. Loss-of-function variants in LYST are known to be pathogenic (PMID: 9215679, 11857544). This variant is not present in population databases (gnomAD no frequency). This premature translational stop signal has been observed in individual(s) with Chediak Higashi syndrome (PMID: 9215680). ClinVar contains an entry for this variant (Variation ID: 3814). For these reasons, this variant has been classified as Pathogenic.

GeneDx
Classification: Pathogenic. Last evaluated: 2024-07-20. Review status: criteria provided, single submitter. Criteria: GeneDx Variant Classification Process June 2021. Collection method: clinical testing. Allele origin: germline. Affected: yes.
Comment: Nonsense variant predicted to result in protein truncation or nonsense mediated decay in a gene for which loss of function is a known mechanism of disease; Not observed at significant frequency in large population cohorts (gnomAD); This variant is associated with the following publications: (PMID: 25129365, 25525159, 15896657, 9215680)

Baylor Genetics
Classification: Pathogenic for Chédiak-Higashi syndrome. Last evaluated: 2023-03-01. Review status: criteria provided, single submitter. Criteria: ACMG Guidelines, 2015. Collection method: clinical testing. Allele origin: unknown.

Revvity Omics, Revvity
Classification: Pathogenic for Chédiak-Higashi syndrome. Last evaluated: 2021-09-17. Review status: criteria provided, single submitter. Criteria: ACMG Guidelines, 2015. Collection method: clinical testing. Allele origin: germline.

OMIM
Classification: Pathogenic for CHEDIAK-HIGASHI SYNDROME, CHILDHOOD TYPE. Last evaluated: 1997-07-01. Review status: no assertion criteria provided. Collection method: literature only. Allele origin: germline. Not counted in ClinVar's aggregate classification.

GeneReviews
No classification provided. Condition: Chédiak-Higashi syndrome. Review status: no classification provided. Collection method: literature only. Allele origin: germline. Not counted in ClinVar's aggregate classification.

Literature cited by the submitters: PubMed 11857544 (cited by Mayo Clinic Laboratories, Mayo Clinic and Labcorp Genetics (formerly Invitae), Labcorp); PubMed 9215679 (cited by Mayo Clinic Laboratories, Mayo Clinic and Labcorp Genetics (formerly Invitae), Labcorp); PubMed 9215680 (cited by 3 submitters).